The following is an entry in ClinVar:

ClinVar aggregate classification (germline): Uncertain significance (1 of 4 stars; one submission).

gnomAD v4.1: 2 of 1,613,394 alleles (0.00012%); highest among the groups gnomAD compares: Non-Finnish European, 0.00017%; no homozygotes.

Submission:

Labcorp Genetics (formerly Invitae), Labcorp
Classification: Uncertain significance. Last evaluated: 2024-04-22. Review status: criteria provided, single submitter. Criteria: Invitae Variant Classification Sherloc (09022015). Collection method: clinical testing. Allele origin: germline.
Comment: This sequence change replaces histidine, which is basic and polar, with asparagine, which is neutral and polar, at codon 196 of the RELB protein (p.His196Asn). This variant is not present in population databases (gnomAD no frequency). This variant has not been reported in the literature in individuals affected with RELB-related conditions. An algorithm developed to predict the effect of missense changes on protein structure and function (PolyPhen-2) suggests that this variant is likely to be disruptive. In summary, the available evidence is currently insufficient to determine the role of this variant in disease. Therefore, it has been classified as a Variant of Uncertain Significance.

NM_006509.4(RELB):c.586C>A (p.His196Asn)

Gene: RELB (RELB proto-oncogene, NF-kB subunit; plus strand). Cytogenetic location: 19q13.32.
Variant type: single nucleotide variant.
Coding change: c.586C>A on transcript NM_006509.4 (MANE Select); coding-DNA position 586, C replaced by A.
Protein change: p.His196Asn; replaces histidine 196 with asparagine.
Molecular consequence: missense variant.
Genome position (GRCh38, 1-based): chr19:45,022,134, C>A. VCF-style: chr19-45022134-C-A. GRCh37 (hg19) VCF-style: chr19-45525392-C-A.
Other names: c.577C>A, p.His193Asn (NM_001411087.1); short protein forms H193N, H196N.
Identifiers: ClinVar variation 3650590 (VCV003650590.2).